The following is an entry in ClinVar:

ClinVar aggregate classification (germline): Uncertain significance (1 of 4 stars; one submission).

Conditions:
Emery-Dreifuss muscular dystrophy 4, autosomal dominant (EDMD4). Also called: EMERY-DREIFUSS MUSCULAR DYSTROPHY 4 WITH VARIABLE FEATURES. Identifiers: Orphanet 261, MedGen C2751807, MONDO:0013071, OMIM 612998.
Autosomal recessive ataxia, Beauce type. Also called: Spinocerebellar ataxia, autosomal recessive 8; ATAXIA, RECESSIVE, OF BEAUCE; SYNE1-Related Autosomal Recessive Cerebellar Ataxia; SYNE1 Deficiency. Identifiers: Orphanet 88644, MedGen C1853116, MONDO:0012549, OMIM 610743.

Submission:

Labcorp Genetics (formerly Invitae), Labcorp
Classification: Uncertain significance for Emery-Dreifuss muscular dystrophy 4, autosomal dominant; Autosomal recessive ataxia, Beauce type. Last evaluated: 2019-05-10. Review status: criteria provided, single submitter. Criteria: Invitae Variant Classification Sherloc (09022015). Collection method: clinical testing. Allele origin: germline.
Comment: In summary, the available evidence is currently insufficient to determine the role of this variant in disease. Therefore, it has been classified as a Variant of Uncertain Significance. Algorithms developed to predict the effect of missense changes on protein structure and function are either unavailable or do not agree on the potential impact of this missense change (SIFT: "Deleterious"; PolyPhen-2: "Probably Damaging"; Align-GVGD: "Class C0"). This sequence change replaces serine with cysteine at codon 7779 of the SYNE1 protein (p.Ser7779Cys). The serine residue is highly conserved and there is a moderate physicochemical difference between serine and cysteine. This variant is not present in population databases (ExAC no frequency). This variant has not been reported in the literature in individuals with SYNE1-related conditions.

NM_182961.4(SYNE1):c.23548A>T (p.Ser7850Cys)

Gene: SYNE1 (spectrin repeat containing nuclear envelope protein 1; minus strand). Cytogenetic location: 6q25.2.
Variant type: single nucleotide variant.
Coding change: c.23548A>T on transcript NM_182961.4 (MANE Select); coding-DNA position 23548, A replaced by T.
Protein change: p.Ser7850Cys; replaces serine 7850 with cysteine.
Molecular consequence: missense variant.
Genome position (GRCh38, 1-based): chr6:152,176,473, T>A on the plus strand (A>T on the coding strand, the complement: SYNE1 is on the minus strand). VCF-style: chr6-152176473-T-A. GRCh37 (hg19) VCF-style: chr6-152497608-T-A.
Other names: c.154A>T, p.Ser52Cys (NM_001347701.2); c.23335A>T, p.Ser7779Cys (NM_033071.5); short protein forms S7779C, S7850C, S52C.
Identifiers: ClinVar variation 946882 (VCV000946882.9), dbSNP rs2066481563, ClinGen allele CA366090518.